The following is an entry in ClinVar:

ClinVar aggregate classification (germline): Likely pathogenic (1 of 4 stars; one submission).

Submission:

Mayo Clinic Laboratories, Mayo Clinic
Classification: Likely pathogenic. Last evaluated: 2023-09-07. Review status: criteria provided, single submitter. Criteria: ACMG Guidelines, 2015. Collection method: clinical testing. Allele origin: germline. Observed: 1 variant allele.
Comment: PM2_moderate, PVS1

NM_001136193.2(FASTKD2):c.503del (p.Asp168fs)

Gene: FASTKD2 (FAST kinase domains 2; plus strand). Cytogenetic location: 2q33.3.
Variant type: Deletion.
Coding change: c.503del on transcript NM_001136193.2 (MANE Select); coding-DNA position 503, one base deleted (A; older notation c.503delA).
Protein change: p.Asp168fs; shifts the reading frame from aspartic acid 168.
Molecular consequence: frameshift variant.
Genome position (GRCh38, 1-based): chr2:206,767,196, A deleted. VCF-style (leftmost placement, unchanged base first): chr2-206767195-GA-G. GRCh37 (hg19) VCF-style: chr2-207631919-GA-G.
Other names: p.Asp168Valfs*3; c.503del, p.Asp168fs (NM_001136194.2, NM_014929.4); short protein forms D168fs.
Identifiers: ClinVar variation 3380961 (VCV003380961.1).